The following is an entry in ClinVar:

NM_016180.5(SLC45A2):c.217G>A (p.Val73Met)

Gene: SLC45A2 (solute carrier family 45 member 2; minus strand). Cytogenetic location: 5p13.2.
Variant type: single nucleotide variant.
Coding change: c.217G>A on transcript NM_016180.5 (MANE Select); coding-DNA position 217, G replaced by A.
Protein change: p.Val73Met; replaces valine 73 with methionine.
Molecular consequence: missense variant.
Genome position (GRCh38, 1-based): chr5:33,984,367, C>T on the plus strand (G>A on the coding strand, the complement: SLC45A2 is on the minus strand). VCF-style: chr5-33984367-C-T. GRCh37 (hg19) VCF-style: chr5-33984472-C-T.
Other names: c.217G>A, p.Val73Met (NM_001012509.4, NM_001297417.4); short protein forms V73M.
Identifiers: ClinVar variation 2054254 (VCV002054254.4), dbSNP rs1579564516, ClinGen allele CA359397578.

ClinVar aggregate classification (germline): Uncertain significance (1 of 4 stars; one submission).

Allele frequency attached by ClinVar (database versions not stated): gnomAD exomes below 0.00001.
gnomAD v4.1: 2 of 1,613,972 alleles (0.00012%); highest among the groups gnomAD compares: African/African-American, 0.0013%; no homozygotes.

Submission:

Labcorp Genetics (formerly Invitae), Labcorp
Classification: Uncertain significance. Last evaluated: 2021-12-24. Review status: criteria provided, single submitter. Criteria: Invitae Variant Classification Sherloc (09022015). Collection method: clinical testing. Allele origin: germline.
Comment: This variant is not present in population databases (gnomAD no frequency). This sequence change replaces valine, which is neutral and non-polar, with methionine, which is neutral and non-polar, at codon 73 of the SLC45A2 protein (p.Val73Met). This variant has not been reported in the literature in individuals affected with SLC45A2-related conditions. In summary, the available evidence is currently insufficient to determine the role of this variant in disease. Therefore, it has been classified as a Variant of Uncertain Significance. Algorithms developed to predict the effect of missense changes on protein structure and function are either unavailable or do not agree on the potential impact of this missense change (SIFT: "Deleterious"; PolyPhen-2: "Probably Damaging"; Align-GVGD: "Class C0").